The following is an entry in ClinVar:

ClinVar aggregate classification (germline): Uncertain significance (1 of 4 stars; one submission).

Conditions:
Deficiency of isobutyryl-CoA dehydrogenase. Also called: IBD DEFICIENCY; ACYL-CoA DEHYDROGENASE FAMILY, MEMBER 8, DEFICIENCY OF; ACAD8 DEFICIENCY. Identifiers: Orphanet 79159, MedGen C1969809, MONDO:0012648, OMIM 611283.

Allele frequency attached by ClinVar (database versions not stated): ExAC 0.00001; gnomAD 0.00001; TOPMed 0.00002; gnomAD exomes 0.00003; ESP Exome Variant Server 0.00008.
gnomAD v4.1: 16 of 1,614,022 alleles (0.00099%); highest among the groups gnomAD compares: Admixed American, 0.01%; no homozygotes.

Submission:

Labcorp Genetics (formerly Invitae), Labcorp
Classification: Uncertain significance for Deficiency of isobutyryl-CoA dehydrogenase. Last evaluated: 2022-08-09. Review status: criteria provided, single submitter. Criteria: Invitae Variant Classification Sherloc (09022015). Collection method: clinical testing. Allele origin: germline.
Comment: In summary, the available evidence is currently insufficient to determine the role of this variant in disease. Therefore, it has been classified as a Variant of Uncertain Significance. Algorithms developed to predict the effect of missense changes on protein structure and function (SIFT, PolyPhen-2, Align-GVGD) all suggest that this variant is likely to be disruptive. ClinVar contains an entry for this variant (Variation ID: 967586). This variant has not been reported in the literature in individuals affected with ACAD8-related conditions. This variant is present in population databases (rs367999938, gnomAD 0.01%). This sequence change replaces glycine, which is neutral and non-polar, with arginine, which is basic and polar, at codon 180 of the ACAD8 protein (p.Gly180Arg).

NM_014384.3(ACAD8):c.538G>C (p.Gly180Arg)

Gene: ACAD8 (acyl-CoA dehydrogenase family member 8; plus strand). Cytogenetic location: 11q25.
Variant type: single nucleotide variant.
Coding change: c.538G>C on transcript NM_014384.3 (MANE Select); coding-DNA position 538, G replaced by C.
Protein change: p.Gly180Arg; replaces glycine 180 with arginine.
Molecular consequence: missense variant.
Genome position (GRCh38, 1-based): chr11:134,259,055, G>C. VCF-style: chr11-134259055-G-C. GRCh37 (hg19) VCF-style: chr11-134128949-G-C.
Other names: short protein forms G180R.
Identifiers: ClinVar variation 967586 (VCV000967586.10), dbSNP rs367999938, ClinGen allele CA6372978.
Genomic context (GRCh38, chr11:134,259,055, plus strand): 5'-GATCCCTCCTCAGGAAGTGGGAGTGATGCTGCCTCTCTTCTGACCTCCGCTAAGAAACAG[G>C]GAGATCATTACATCCTCAATGGCTCCAAGGTACTAGCGTGCGTCCTCCCAGAGCACTTTG-3'
Protein context (NP_055199.1, residues 170-190): ASLLTSAKKQ[Gly180Arg]DHYILNGSKA